The following is an entry in ClinVar:

ClinVar aggregate classification (germline): Uncertain significance (1 of 4 stars; one submission).

Conditions:
Wilms tumor 1 (WT1). Also called: Wilms tumor, somatic. Identifiers: Orphanet 654, MedGen CN033288, MONDO:0008679, OMIM 194070.

Submission:

Labcorp Genetics (formerly Invitae), Labcorp
Classification: Uncertain significance for Wilms tumor 1. Last evaluated: 2018-08-28. Review status: criteria provided, single submitter. Criteria: Invitae Variant Classification Sherloc (09022015). Collection method: clinical testing. Allele origin: germline.
Comment: This sequence change replaces valine with alanine at codon 38 of the GPC3 protein (p.Val38Ala). The valine residue is weakly conserved and there is a small physicochemical difference between valine and alanine. This variant is not present in population databases (ExAC no frequency). This variant has not been reported in the literature in individuals with GPC3-related disease. Algorithms developed to predict the effect of missense changes on protein structure and function are either unavailable or do not agree on the potential impact of this missense change (SIFT: "Tolerated"; PolyPhen-2: "Probably Damaging"; Align-GVGD: "Class C0"). In summary, the available evidence is currently insufficient to determine the role of this variant in disease. Therefore, it has been classified as a Variant of Uncertain Significance.

NM_004484.4(GPC3):c.113T>C (p.Val38Ala)

Gene: GPC3 (glypican 3; minus strand). Cytogenetic location: Xq26.2.
Variant type: single nucleotide variant.
Coding change: c.113T>C on transcript NM_004484.4 (MANE Select); coding-DNA position 113, T replaced by C.
Protein change: p.Val38Ala; replaces valine 38 with alanine.
Molecular consequence: missense variant.
Genome position (GRCh38, 1-based): chrX:133,985,337, A>G on the plus strand (T>C on the coding strand, the complement: GPC3 is on the minus strand). VCF-style: chrX-133985337-A-G. GRCh37 (hg19) VCF-style: chrX-133119364-A-G.
Other names: c.113T>C, p.Val38Ala (NM_001164617.2, NM_001164618.2, NM_001164619.2); short protein forms V38A.
Identifiers: ClinVar variation 662226 (VCV000662226.9), dbSNP rs1602581095, ClinGen allele CA414707007.